The following is an entry in ClinVar:

ClinVar aggregate classification (germline): Uncertain significance. Review status: criteria provided, single submitter (1 of 4 stars). 2 submissions from 2 submitters: Uncertain significance (1). 1 of the submissions does not count toward it. Last evaluated 2015-12-10.

Conditions:
Hereditary cancer-predisposing syndrome. Also called: Hereditary neoplastic syndrome; Neoplastic Syndromes, Hereditary; Tumor predisposition; Hereditary Cancer Syndrome. Identifiers: Orphanet 140162, MedGen C0027672, MeSH D009386, MONDO:0015356.
Familial cancer of breast. Also called: BREAST CANCER, FAMILIAL; Hereditary breast cancer; hereditary breast carcinoma. Identifiers: Orphanet 227535, MedGen C0346153, MONDO:0016419, OMIM 114480. Disease mechanism: loss of function.

Submissions (2):

Ambry Genetics
Classification: Uncertain significance for Hereditary cancer-predisposing syndrome. Last evaluated: 2015-12-10. Review status: criteria provided, single submitter. Criteria: Ambry Variant Classification Scheme 2023. Collection method: clinical testing. Allele origin: germline.
Comment: The p.M1032L variant (also known as c.3094A>T), located in coding exon 10 of the PALB2 gene, results from an A to T substitution at nucleotide position 3094. The methionine at codon 1032 is replaced by leucine, an amino acid with highly similar properties. This variant was not reported in population based cohorts in the following databases: Database of Single Nucleotide Polymorphisms (dbSNP), NHLBI Exome Sequencing Project (ESP), and 1000 Genomes Project. In the ESP, this variant was not observed in 6497 samples (12994 alleles) with coverage at this position. To date, this alteration has been detected with an allele frequency of approximately 0.001% (greater than 130000 alleles tested) in our clinical cohort. This amino acid position is not well conserved in available vertebrate species. In addition, this alteration is predicted to be tolerated by in silico analysis. Since supporting evidence is limited at this time, the clinical significance of p.M1032L remains unclear.

Leiden Open Variation Database
Classification: Likely benign for Familial cancer of breast. Last evaluated: 2019-05-13. Review status: no assertion criteria provided. Collection method: curation. Allele origin: germline. Affected: yes. Not counted in ClinVar's aggregate classification.
Comment: Curators: Marc Tischkowitz, Arleen D. Auerbach. Submitter to LOVD: Marc Tischkowitz.

Literature cited by the submitters: PubMed 25186627 (cited by Ambry Genetics and Leiden Open Variation Database).

NM_024675.4(PALB2):c.3094A>T (p.Met1032Leu)

Gene: PALB2 (partner and localizer of BRCA2; minus strand). Cytogenetic location: 16p12.2.
Variant type: single nucleotide variant.
Coding change: c.3094A>T on transcript NM_024675.4 (MANE Select); coding-DNA position 3094, A replaced by T.
Protein change: p.Met1032Leu; replaces methionine 1032 with leucine.
Molecular consequence: missense variant.
Genome position (GRCh38, 1-based): chr16:23,621,381, T>A on the plus strand (A>T on the coding strand, the complement: PALB2 is on the minus strand). VCF-style: chr16-23621381-T-A. GRCh37 (hg19) VCF-style: chr16-23632702-T-A.
Other names: short protein forms M1032L.
Identifiers: ClinVar variation 830191 (VCV000830191.4), dbSNP rs1555459367, ClinGen allele CA395142854.